The following is an entry in ClinVar:

ClinVar aggregate classification (germline): Uncertain significance (1 of 4 stars; one submission).

Conditions:
Neuronopathy, distal hereditary motor, autosomal recessive 4. Also called: Autosomal recessive lower motor neuron disease with childhood onset; NEUROPATHY, DISTAL HEREDITARY MOTOR, AUTOSOMAL RECESSIVE 4. Identifiers: Orphanet 206580, MedGen C1970211, MONDO:0012608, OMIM 611067.
Charcot-Marie-Tooth disease recessive intermediate C. Also called: CHARCOT-MARIE-TOOTH NEUROPATHY, RECESSIVE INTERMEDIATE C. Identifiers: Orphanet 369867, MedGen C3809309, MONDO:0014154, OMIM 615376.

gnomAD v4.1: 1 of 1,613,806 alleles (0.000062%); highest among the groups gnomAD compares: Non-Finnish European, 0.000085%; no homozygotes.

Submission:

Labcorp Genetics (formerly Invitae), Labcorp
Classification: Uncertain significance for Neuronopathy, distal hereditary motor, autosomal recessive 4; Charcot-Marie-Tooth disease recessive intermediate C. Last evaluated: 2022-09-01. Review status: criteria provided, single submitter. Criteria: Invitae Variant Classification Sherloc (09022015). Collection method: clinical testing. Allele origin: germline.
Comment: This sequence change replaces histidine, which is basic and polar, with arginine, which is basic and polar, at codon 346 of the PLEKHG5 protein (p.His346Arg). This variant is not present in population databases (gnomAD no frequency). In summary, the available evidence is currently insufficient to determine the role of this variant in disease. Therefore, it has been classified as a Variant of Uncertain Significance. Algorithms developed to predict the effect of missense changes on protein structure and function (SIFT, PolyPhen-2, Align-GVGD) all suggest that this variant is likely to be tolerated. ClinVar contains an entry for this variant (Variation ID: 1361927). This variant has not been reported in the literature in individuals affected with PLEKHG5-related conditions.

NM_020631.6(PLEKHG5):c.1037A>G (p.His346Arg)

Gene: PLEKHG5 (pleckstrin homology and RhoGEF domain containing G5; minus strand). Cytogenetic location: 1p36.31.
Variant type: single nucleotide variant.
Coding change: c.1037A>G on transcript NM_020631.6 (MANE Select); coding-DNA position 1037, A replaced by G.
Protein change: p.His346Arg; replaces histidine 346 with arginine.
Molecular consequence: missense variant.
Genome position (GRCh38, 1-based): chr1:6,472,570, T>C on the plus strand (A>G on the coding strand, the complement: PLEKHG5 is on the minus strand). VCF-style: chr1-6472570-T-C. GRCh37 (hg19) VCF-style: chr1-6532630-T-C.
Other names: c.1148A>G, p.His383Arg (NM_001042663.3, NM_001265592.2); c.1037A>G, p.His346Arg (NM_001042664.2, NM_001042665.2, NM_001265594.3 and 1 more transcripts); c.1244A>G, p.His415Arg (NM_001265593.2); short protein forms H383R, H346R, H415R.
Identifiers: ClinVar variation 1361927 (VCV001361927.6), dbSNP rs2148587188, ClinGen allele CA338132733.
Genomic context (GRCh38, chr1:6,472,570, plus strand): 5'-GCGCAGCCCCTACTCACGTTGATGATCACCCGCAGTTTCCTGATGTAGGAGGCCTCCGTG[T>C]GCAGCAGCTCCCACACCGCCTCCTGCTGGTGGCACTGCCGCCGGGTCAGCTTCTAGAGGG-3'
Protein context (NP_065682.2, residues 336-356): HQQEAVWELL[His346Arg]TEASYIRKLR